The following is an entry in ClinVar:

ClinVar aggregate classification (germline): Likely pathogenic. Review status: criteria provided, multiple submitters, no conflicts (2 of 4 stars). 3 submissions from 3 submitters: Likely pathogenic (3). Last evaluated 2026-03-14.

Conditions:
Mitochondrial hypertrophic cardiomyopathy with lactic acidosis due to MTO1 deficiency. Also called: CARDIOMYOPATHY, INFANTILE HYPERTROPHIC MITOCHONDRIAL, AND LACTIC ACIDOSIS; Combined oxidative phosphorylation deficiency 10. Identifiers: Orphanet 314637, MedGen C4749921, MONDO:0013865, OMIM 614702.

Allele frequency attached by ClinVar (database versions not stated): TOPMed 0.00001; gnomAD exomes below 0.00001 and 0.00002; gnomAD 0.00002.
gnomAD v4.1: 32 of 1,613,990 alleles (0.002%); highest among the groups gnomAD compares: Non-Finnish European, 0.0025%; no homozygotes.

Submissions (3):

GeneDx
Classification: Likely pathogenic. Last evaluated: 2026-03-14. Review status: criteria provided, single submitter. Criteria: GeneDx Variant Classification Process June 2021. Collection method: clinical testing. Allele origin: germline.
Comment: Not observed at significant frequency in large population cohorts (gnomAD); In silico analysis supports that this missense variant has a deleterious effect on protein structure/function; This variant is associated with the following publications: (PMID: 29348686, 29331171, 34732400, 34547275, 27256614, 26061759, 33240328, 34990597, 33511646)

Labcorp Genetics (formerly Invitae), Labcorp
Classification: Likely pathogenic for Mitochondrial hypertrophic cardiomyopathy with lactic acidosis due to MTO1 deficiency. Last evaluated: 2025-09-28. Review status: criteria provided, single submitter. Criteria: Invitae Variant Classification Sherloc (09022015). Collection method: clinical testing. Allele origin: germline.
Comment: This sequence change replaces arginine, which is basic and polar, with cysteine, which is neutral and slightly polar, at codon 464 of the MTO1 protein (p.Arg464Cys). This variant is present in population databases (no rsID available, gnomAD 0.0009%). This missense change has been observed in individuals with combined oxidative phosphorylation deficiency (PMID: 27256614, 29331171, 34990597). This variant is also known as c.1510C>T (p.R504C). ClinVar contains an entry for this variant (Variation ID: 937542). Invitae Evidence Modeling of protein sequence and biophysical properties (such as structural, functional, and spatial information, amino acid conservation, physicochemical variation, residue mobility, and thermodynamic stability) has been performed for this missense variant. However, the output from this modeling did not meet the statistical confidence thresholds required to predict the impact of this variant on MTO1 protein function. In summary, the currently available evidence indicates that the variant is pathogenic, but additional data are needed to prove that conclusively. Therefore, this variant has been classified as Likely Pathogenic.

Fulgent Genetics
Classification: Likely pathogenic for Mitochondrial hypertrophic cardiomyopathy with lactic acidosis due to MTO1 deficiency. Last evaluated: 2021-08-27. Review status: criteria provided, single submitter. Criteria: ACMG Guidelines, 2015. Collection method: clinical testing. Allele origin: unknown.

Literature cited by the submitters: PubMed 27256614 (cited by Labcorp Genetics (formerly Invitae), Labcorp); PubMed 29331171 (cited by Labcorp Genetics (formerly Invitae), Labcorp); PubMed 34990597 (cited by Labcorp Genetics (formerly Invitae), Labcorp).

NM_012123.4(MTO1):c.1390C>T (p.Arg464Cys)

Gene: MTO1 (mitochondrial tRNA translation optimization 1; plus strand). Cytogenetic location: 6q13.
Variant type: single nucleotide variant.
Coding change: c.1390C>T on transcript NM_012123.4 (MANE Select); coding-DNA position 1390, C replaced by T.
Protein change: p.Arg464Cys; replaces arginine 464 with cysteine.
Molecular consequence: missense variant.
Genome position (GRCh38, 1-based): chr6:73,482,169, C>T. VCF-style: chr6-73482169-C-T. GRCh37 (hg19) VCF-style: chr6-74191892-C-T.
Other names: c.1510C>T, p.Arg504Cys (NM_001123226.2); c.1465C>T, p.Arg489Cys (NM_133645.3); short protein forms R489C, R464C, R504C.
Identifiers: ClinVar variation 937542 (VCV000937542.9), dbSNP rs1459252796, ClinGen allele CA364717154.